The following is an entry in ClinVar:

NM_201525.4(ADGRG1):c.*38T>G

Gene: ADGRG1 (adhesion G protein-coupled receptor G1; plus strand). Cytogenetic location: 16q21.
Variant type: single nucleotide variant.
Coding change: c.*38T>G on transcript NM_201525.4 (MANE Select); 38 bases downstream of the stop codon, T replaced by G.
Molecular consequence: 3 prime UTR variant.
Genome position (GRCh38, 1-based): chr16:57,663,620, T>G. VCF-style: chr16-57663620-T-G. GRCh37 (hg19) VCF-style: chr16-57697532-T-G.
Other names: c.*38T>G (NM_001145770.3, NM_001145771.3, NM_001145772.3 and 25 more transcripts).
Identifiers: ClinVar variation 259865 (VCV000259865.12), dbSNP rs10852554, ClinGen allele CA8078953.
Genomic context (GRCh38, chr16:57,663,620, plus strand): 5'-GCACCTCGTCCAGCCGCATCTAGGCCTCCAGCCCACCTGCCCATGTGATGAAGCAGAGAT[T>G]CGGCCTCGTCGCACACTGCCTGTGGCCCCCGAGCCCGGCCCAGCCCCAGGCCAGTCAGCC-3'

ClinVar aggregate classification (germline): Benign. Review status: criteria provided, multiple submitters, no conflicts (2 of 4 stars). 5 submissions from 5 submitters: Benign (5). Last evaluated 2021-07-10.

Conditions:
Bilateral frontoparietal polymicrogyria. Also called: CORTICAL DYSPLASIA, COMPLEX, WITH OTHER BRAIN MALFORMATIONS 14A (BILATERAL FRONTOPARIETAL); CEREBELLAR ATAXIA WITH NEURONAL MIGRATION DEFECT. Identifiers: Orphanet 101070, MedGen C1847352, MONDO:0011738, OMIM 606854.

Allele frequency attached by ClinVar (database versions not stated): gnomAD exomes 0.73488 and 0.75959; TOPMed 0.79506; 1000 Genomes Project 30x 0.84588; 1000 Genomes Project 0.84784; gnomAD 0.76824 and 0.77231; ExAC 0.75644; ESP Exome Variant Server 0.76639.
gnomAD v4.1: 1,185,250 of 1,604,006 alleles (74%); highest among the groups gnomAD compares: East Asian, 95%; 442,017 homozygotes.

Submissions (5):

Genome-Nilou Lab
Classification: Benign for Bilateral frontoparietal polymicrogyria. Last evaluated: 2021-07-10. Review status: criteria provided, single submitter. Criteria: ACMG Guidelines, 2015. Collection method: clinical testing. Allele origin: germline. Affected: no.

GeneDx
Classification: Benign. Last evaluated: 2018-06-26. Review status: criteria provided, single submitter. Criteria: GeneDx Variant Classification Process June 2021. Collection method: clinical testing. Allele origin: germline. Affected: yes.

Illumina Laboratory Services, Illumina
Classification: Benign for Bilateral frontoparietal polymicrogyria. Last evaluated: 2018-01-13. Review status: criteria provided, single submitter. Criteria: ICSL Variant Classification Criteria 13 December 2019. Collection method: clinical testing. Allele origin: germline.
Comment: This variant was observed in the ICSL laboratory as part of a predisposition screen in an ostensibly healthy population. It had not been previously curated by ICSL or reported in the Human Gene Mutation Database (HGMD: prior to June 1st, 2018), and was therefore a candidate for classification through an automated scoring system. Utilizing variant allele frequency, disease prevalence and penetrance estimates, and inheritance mode, an automated score was calculated to assess if this variant is too frequent to cause the disease. Based on the score and internal cut-off values, a variant classified as benign is not then subjected to further curation. The score for this variant resulted in a classification of benign for this disease.

Breakthrough Genomics
Classification: Benign. Review status: criteria provided, single submitter. Criteria: ACMG Guidelines, 2015. Collection method: not provided. Allele origin: germline. Inheritance: Autosomal recessive inheritance. Affected: yes.

PreventionGenetics, part of Exact Sciences
Classification: Benign. Review status: criteria provided, single submitter. Criteria: ACMG Guidelines, 2015. Collection method: clinical testing. Allele origin: germline.